The following is an entry in ClinVar:

NM_133259.4(LRPPRC):c.3737_3740del (p.Asn1246fs)

Gene: LRPPRC (leucine rich pentatricopeptide repeat containing; minus strand). Cytogenetic location: 2p21.
Variant type: Deletion.
Coding change: c.3737_3740del on transcript NM_133259.4 (MANE Select); coding-DNA positions 3737 to 3740, 4 bases deleted (ATCA; older notation c.3737_3740delATCA).
Protein change: p.Asn1246fs; shifts the reading frame from asparagine 1246.
Molecular consequence: frameshift variant.
Genome position (GRCh38, 1-based): chr2:43,899,304-43,899,307, TGAT deleted on the plus strand (ATCA on the coding strand, the reverse complement: LRPPRC is on the minus strand); deleting any 4 consecutive bases within chr2:43,899,304-43,899,309 gives the same sequence; the c. name uses the placement nearest the transcript's 3' end. VCF-style (leftmost placement, unchanged base first): chr2-43899303-CTGAT-C. GRCh37 (hg19) VCF-style: chr2-44126442-CTGAT-C.
Other names: short protein forms N1246fs.
Identifiers: ClinVar variation 2053945 (VCV002053945.6), dbSNP rs764402730, ClinGen allele CA1637961.
Genomic context (GRCh38, chr2:43,899,303, plus strand): 5'-CACCTTGCCTGCATCCACAAGTTGAAGGAAAAAATCAGTGACAGGTTTATAAATTGCAAA[CTGAT>C]TGGCCAATCTCTCCGCCATGATGCTTACTGGAAAAATGACAGGTAAGAAAAATCTTTCAT-3'

ClinVar aggregate classification (germline): Pathogenic/Likely pathogenic. Review status: criteria provided, multiple submitters, no conflicts (2 of 4 stars). 3 submissions from 3 submitters: Pathogenic (1); Likely pathogenic (2). Last evaluated 2024-05-08.

Conditions:
Congenital lactic acidosis, Saguenay-Lac-Saint-Jean type (MC4DN5). Also called: MITOCHONDRIAL COMPLEX IV DEFICIENCY, NUCLEAR TYPE 5; CYTOCHROME c OXIDASE DEFICIENCY, FRENCH CANADIAN TYPE; COX DEFICIENCY, FRENCH CANADIAN TYPE. Identifiers: Orphanet 70472, MedGen C1857355, MONDO:0009069, OMIM 220111.

Submissions (3):

Fulgent Genetics
Classification: Likely pathogenic for Congenital lactic acidosis, Saguenay-Lac-Saint-Jean type. Last evaluated: 2024-05-08. Review status: criteria provided, single submitter. Criteria: ACMG Guidelines, 2015. Collection method: clinical testing. Allele origin: germline.

Baylor Genetics
Classification: Likely pathogenic for Congenital lactic acidosis, Saguenay-Lac-Saint-Jean type. Last evaluated: 2023-10-28. Review status: criteria provided, single submitter. Criteria: ACMG Guidelines, 2015. Collection method: clinical testing. Allele origin: unknown.

Labcorp Genetics (formerly Invitae), Labcorp
Classification: Pathogenic. Last evaluated: 2023-06-15. Review status: criteria provided, single submitter. Criteria: Invitae Variant Classification Sherloc (09022015). Collection method: clinical testing. Allele origin: germline.
Comment: This sequence change creates a premature translational stop signal (p.Asn1246Serfs*58) in the LRPPRC gene. It is expected to result in an absent or disrupted protein product. Loss-of-function variants in LRPPRC are known to be pathogenic (PMID: 26510951). This variant is present in population databases (rs764402730, gnomAD 0.0009%). This variant has not been reported in the literature in individuals affected with LRPPRC-related conditions. ClinVar contains an entry for this variant (Variation ID: 2053945). For these reasons, this variant has been classified as Pathogenic.

Literature cited by the submitters: PubMed 26510951 (cited by Labcorp Genetics (formerly Invitae), Labcorp).